The following is an entry in ClinVar:

ClinVar aggregate classification (germline): Likely benign (1 of 4 stars; one submission).

Submission:

CeGaT Center for Human Genetics Tuebingen
Classification: Likely benign. Last evaluated: 2025-10-01. Review status: criteria provided, single submitter. Criteria: CeGaT Center For Human Genetics Tuebingen Variant Classification Criteria Version 2. Collection method: clinical testing. Allele origin: germline. Affected: yes. Observed: 1 variant allele.
Comment: SRGAP2C: BP4, BP7

NM_001329984.2(SRGAP2C):c.1221T>C (p.Phe407=)

Genes: SRGAP2-AS1 (SRGAP2 antisense RNA 1; minus strand), SRGAP2C (SLIT-ROBO Rho GTPase activating protein 2C; plus strand). Cytogenetic location: 1p11.2.
Variant type: single nucleotide variant.
Coding change: c.1221T>C on transcript NM_001329984.2 (MANE Select); coding-DNA position 1221, T replaced by C.
Protein change: p.Phe407=; no amino-acid change (phenylalanine 407 retained).
Molecular consequence: synonymous variant.
Genome position (GRCh38, 1-based): chr1:121,387,696, T>C. VCF-style: chr1-121387696-T-C. GRCh37 (hg19) VCF-style: chr1-121129557-T-C.
Other names: c.1218T>C, p.Phe406= (NM_001271872.3).
Identifiers: ClinVar variation 4533478 (VCV004533478.6).